The following is an entry in ClinVar:

NM_020433.5(JPH2):c.647A>T (p.Lys216Met)

Gene: JPH2 (junctophilin 2; minus strand). Cytogenetic location: 20q13.12.
Variant type: single nucleotide variant.
Coding change: c.647A>T on transcript NM_020433.5 (MANE Select); coding-DNA position 647, A replaced by T.
Protein change: p.Lys216Met; replaces lysine 216 with methionine.
Molecular consequence: missense variant.
Genome position (GRCh38, 1-based): chr20:44,160,140, T>A on the plus strand (A>T on the coding strand, the complement: JPH2 is on the minus strand). VCF-style: chr20-44160140-T-A. GRCh37 (hg19) VCF-style: chr20-42788780-T-A.
Other names: short protein forms K216M.
Identifiers: ClinVar variation 3375867 (VCV003375867.1).
Genomic context (GRCh38, chr20:44,160,140, plus strand): 5'-CGCGACTCTGCGCGCCGCAGCTTGCCCAGCAGCGCGCCCCGCTGGAAGAGGCCGCCGCCC[T>A]TGGGCGCCCGCGCGGCCGCCTCGGCATTGGCCAGGAGGCTGAGCGCGAAGCCGCCACGCG-3'
Protein context (NP_065166.2, residues 206-226): ANAEAAARAP[Lys216Met]GGGLFQRGAL

ClinVar aggregate classification (germline): Uncertain significance (1 of 4 stars; one submission).

gnomAD v4.1: 1 of 1,449,168 alleles (0.000069%); highest among the groups gnomAD compares: Non-Finnish European, 0.00009%; no homozygotes.

Submission:

GeneDx
Classification: Uncertain significance. Last evaluated: 2024-05-06. Review status: criteria provided, single submitter. Criteria: GeneDx Variant Classification Process June 2021. Collection method: clinical testing. Allele origin: germline. Affected: yes.
Comment: Not observed at significant frequency in large population cohorts (gnomAD); In silico analysis supports that this missense variant has a deleterious effect on protein structure/function; Has not been previously published as pathogenic or benign to our knowledge